The following is an entry in ClinVar:

ClinVar aggregate classification (germline): Uncertain significance (1 of 4 stars; one submission).

gnomAD v4.1: 24 of 1,608,886 alleles (0.0015%); highest among the groups gnomAD compares: Non-Finnish European, 0.002%; no homozygotes.

Submission:

Mayo Clinic Laboratories, Mayo Clinic
Classification: Uncertain significance. Last evaluated: 2025-06-22. Review status: criteria provided, single submitter. Criteria: ACMG Guidelines, 2015. Collection method: clinical testing. Allele origin: germline. Observed: 1 variant allele.
Comment: PP3, PM2_supporting

NM_005592.4(MUSK):c.1748A>C (p.Glu583Ala)

Gene: MUSK (muscle associated receptor tyrosine kinase; plus strand). Cytogenetic location: 9q31.3.
Variant type: single nucleotide variant.
Coding change: c.1748A>C on transcript NM_005592.4 (MANE Select); coding-DNA position 1748, A replaced by C.
Protein change: p.Glu583Ala; replaces glutamic acid 583 with alanine.
Molecular consequence: missense variant.
Genome position (GRCh38, 1-based): chr9:110,785,688, A>C. VCF-style: chr9-110785688-A-C. GRCh37 (hg19) VCF-style: chr9-113547968-A-C.
Other names: p.Glu583Ala; c.1490A>C, p.Glu497Ala (NM_001166280.2); c.1460A>C, p.Glu487Ala (NM_001166281.2); c.488A>C, p.Glu163Ala (NM_001369398.1); short protein forms E163A, E487A, E497A, E583A.
Identifiers: ClinVar variation 4541466 (VCV004541466.1).
Genomic context (GRCh38, chr9:110,785,688, plus strand): 5'-CCAAATTGCTCAGCCTGGAGTATCCAAGGAATAACATTGAATATGTGAGAGACATCGGAG[A>C]GGGAGCGTTTGGAAGGGTGTTTCAAGCAAGGTAAAGTTACCTATGGAAAAAAAAACTCCA-3'
Protein context (NP_005583.1, residues 573-593): NNIEYVRDIG[Glu583Ala]GAFGRVFQAR